The following is an entry in ClinVar:

NM_000814.6(GABRB3):c.504C>A (p.Tyr168Ter)

Gene: GABRB3 (gamma-aminobutyric acid type A receptor subunit beta3; minus strand). Cytogenetic location: 15q12.
Variant type: single nucleotide variant.
Coding change: c.504C>A on transcript NM_000814.6 (MANE Select); coding-DNA position 504, C replaced by A.
Protein change: p.Tyr168Ter; replaces tyrosine 168 with a stop codon.
Molecular consequence: nonsense.
Genome position (GRCh38, 1-based): chr15:26,583,372, G>T on the plus strand (C>A on the coding strand, the complement: GABRB3 is on the minus strand). VCF-style: chr15-26583372-G-T. GRCh37 (hg19) VCF-style: chr15-26828519-G-T.
Other names: c.249C>A, p.Tyr83Ter (NM_001191320.2, NM_001278631.2); c.291C>A, p.Tyr97Ter (NM_001191321.3); c.504C>A, p.Tyr168Ter (NM_021912.5); short protein forms Y168*, Y97*, Y83*.
Identifiers: ClinVar variation 409956 (VCV000409956.9), dbSNP rs1060502665, ClinGen allele CA16614334.

ClinVar aggregate classification (germline): Pathogenic. Review status: criteria provided, multiple submitters, no conflicts (2 of 4 stars). 2 submissions from 2 submitters: Pathogenic (2). Last evaluated 2025-02-06.

Conditions:
Epilepsy, childhood absence, susceptibility to, 1. Also called: Epilepsy, childhood absence 1. Identifiers: Orphanet 64280, MedGen C1838604, MONDO:0020759, OMIM 600131.
Epilepsy, childhood absence, susceptibility to, 5. Identifiers: Orphanet 64280, MedGen C2677087, MONDO:0012843, OMIM 612269.

Submissions (2):

Centre of Medical Genetics, University Hospital Muenster
Classification: Pathogenic. Last evaluated: 2025-02-06. Review status: criteria provided, single submitter. Criteria: ACMG Guidelines, 2015. Collection method: clinical testing. Allele origin: unknown. Affected: yes. Observed: 1 variant allele, 1 heterozygote.
Comment: ACMG categories: PVS1,PM2,PM6

Labcorp Genetics (formerly Invitae), Labcorp
Classification: Pathogenic for Epilepsy, childhood absence, susceptibility to, 5; Epilepsy, childhood absence, susceptibility to, 1. Last evaluated: 2025-01-06. Review status: criteria provided, single submitter. Criteria: Invitae Variant Classification Sherloc (09022015). Collection method: clinical testing. Allele origin: germline.
Comment: This sequence change creates a premature translational stop signal (p.Tyr168*) in the GABRB3 gene. It is expected to result in an absent or disrupted protein product. Loss-of-function variants in GABRB3 are known to be pathogenic (PMID: 26950270, 28053010). This variant is not present in population databases (gnomAD no frequency). This variant has not been reported in the literature in individuals affected with GABRB3-related conditions. ClinVar contains an entry for this variant (Variation ID: 409956). For these reasons, this variant has been classified as Pathogenic.

Literature cited by the submitters: PubMed 26950270 (cited by Labcorp Genetics (formerly Invitae), Labcorp); PubMed 28053010 (cited by Labcorp Genetics (formerly Invitae), Labcorp).